The following is an entry in ClinVar:

ClinVar aggregate classification (germline): Pathogenic/Likely pathogenic. Review status: criteria provided, multiple submitters, no conflicts (2 of 4 stars). 2 submissions from 2 submitters: Pathogenic (1); Likely pathogenic (1). Last evaluated 2022-06-09.

Conditions:
Spastic paraplegia. Identifiers: MedGen C0037772, HP:0001258.
Charlevoix-Saguenay spastic ataxia (SACS). Also called: AUTOSOMAL RECESSIVE SPASTIC ATAXIA OF CHARLEVOIX-SAGUENAY; SPASTIC ATAXIA 6, AUTOSOMAL RECESSIVE; Spastic ataxia of Charlevoix-Saguenay. Identifiers: Orphanet 98, MedGen C1849140, MONDO:0010041, OMIM 270550.

Allele frequency attached by ClinVar (database versions not stated): gnomAD exomes below 0.00001.
gnomAD v4.1: 1 of 1,467,670 alleles (0.000068%); highest among the groups gnomAD compares: Non-Finnish European, 0.00009%; no homozygotes.

Submissions (2):

Labcorp Genetics (formerly Invitae), Labcorp
Classification: Pathogenic for Spastic paraplegia. Last evaluated: 2022-06-09. Review status: criteria provided, single submitter. Criteria: Invitae Variant Classification Sherloc (09022015). Collection method: clinical testing. Allele origin: germline.
Comment: For these reasons, this variant has been classified as Pathogenic. Algorithms developed to predict the effect of sequence changes on RNA splicing suggest that this variant may create or strengthen a splice site. ClinVar contains an entry for this variant (Variation ID: 944813). This variant has not been reported in the literature in individuals affected with SACS-related conditions. This variant is not present in population databases (gnomAD no frequency). This sequence change creates a premature translational stop signal (p.Trp8*) in the SACS gene. It is expected to result in an absent or disrupted protein product. Loss-of-function variants in SACS are known to be pathogenic (PMID: 18465152, 20876471).

Baylor Genetics
Classification: Likely pathogenic for Charlevoix-Saguenay spastic ataxia. Last evaluated: 2022-03-22. Review status: criteria provided, single submitter. Criteria: ACMG Guidelines, 2015. Collection method: clinical testing. Allele origin: unknown.

Literature cited by the submitters: PubMed 18465152 (cited by Labcorp Genetics (formerly Invitae), Labcorp); PubMed 20876471 (cited by Labcorp Genetics (formerly Invitae), Labcorp).

NM_014363.6(SACS):c.23G>A (p.Trp8Ter)

Genes: SACS (sacsin molecular chaperone; minus strand), LOC130009366 (ATAC-STARR-seq lymphoblastoid silent region 5172; plus strand). Cytogenetic location: 13q12.12.
Variant type: single nucleotide variant.
Coding change: c.23G>A on transcript NM_014363.6 (MANE Select); coding-DNA position 23, G replaced by A.
Protein change: p.Trp8Ter; replaces tryptophan 8 with a stop codon.
Molecular consequence: nonsense. On other transcripts: 5 prime UTR variant (1).
Genome position (GRCh38, 1-based): chr13:23,375,267, C>T on the plus strand (G>A on the coding strand, the complement: SACS is on the minus strand). VCF-style: chr13-23375267-C-T. GRCh37 (hg19) VCF-style: chr13-23949406-C-T.
Other names: c.-331G>A (NM_001278055.2); short protein forms W8*.
Identifiers: ClinVar variation 944813 (VCV000944813.9), dbSNP rs1871684539, ClinGen allele CA387554828.